The following is an entry in ClinVar:

ClinVar aggregate classification (germline): Conflicting classifications of pathogenicity. Review status: criteria provided, conflicting classifications (1 of 4 stars). 5 submissions from 5 submitters: Uncertain significance (2); Likely benign (3). Last evaluated 2026-01-28.

Conditions:
Hereditary cancer-predisposing syndrome. Also called: Hereditary neoplastic syndrome; Neoplastic Syndromes, Hereditary; Tumor predisposition; Hereditary Cancer Syndrome. Identifiers: Orphanet 140162, MedGen C0027672, MeSH D009386, MONDO:0015356.
Familial cancer of breast. Also called: Hereditary breast cancer; hereditary breast carcinoma; BREAST CANCER, FAMILIAL. Identifiers: Orphanet 227535, MedGen C0346153, MONDO:0016419, OMIM 114480. Disease mechanism: loss of function.
Fanconi anemia complementation group J. Also called: BRIP1-Related Fanconi Anemia. Identifiers: Orphanet 84, MedGen C1836860, MONDO:0012187, OMIM 609054.

Allele frequency attached by ClinVar (database versions not stated): gnomAD below 0.00001 and 0.00002; gnomAD exomes 0.00005 and 0.00013; ExAC 0.00016.
gnomAD v4.1: 73 of 1,613,386 alleles (0.0045%); highest among the groups gnomAD compares: South Asian, 0.079%; no homozygotes.

Submissions (5):

Labcorp Genetics (formerly Invitae), Labcorp
Classification: Likely benign for Familial cancer of breast; Fanconi anemia complementation group J. Last evaluated: 2026-01-28. Review status: criteria provided, single submitter. Criteria: Invitae Variant Classification Sherloc (09022015). Collection method: clinical testing. Allele origin: germline.

Ambry Genetics
Classification: Likely benign for Hereditary cancer-predisposing syndrome. Last evaluated: 2022-01-03. Review status: criteria provided, single submitter. Criteria: Ambry Variant Classification Scheme 2023. Collection method: clinical testing. Allele origin: germline.

Color Diagnostics, LLC DBA Color Health
Classification: Likely benign for Hereditary cancer-predisposing syndrome. Last evaluated: 2021-06-14. Review status: criteria provided, single submitter. Criteria: ACMG Guidelines, 2015. Collection method: clinical testing. Allele origin: germline.

Department of Pathology and Laboratory Medicine, Sinai Health System
Classification: Uncertain significance for Familial cancer of breast. Last evaluated: 2020-03-30. Review status: criteria provided, single submitter. Criteria: ACMG Guidelines, 2015. Collection method: clinical testing. Allele origin: germline. Affected: yes.

GeneDx
Classification: Uncertain significance. Last evaluated: 2019-11-19. Review status: criteria provided, single submitter. Criteria: GeneDx Variant Classification Process June 2021. Collection method: clinical testing. Allele origin: germline. Affected: yes.
Comment: In silico analysis, which includes protein predictors and evolutionary conservation, supports that this variant does not alter protein structure/function; Has not been previously published as pathogenic or benign to our knowledge

NM_032043.3(BRIP1):c.553G>A (p.Ala185Thr)

Gene: BRIP1 (BRCA1 interacting DNA helicase 1; minus strand). Cytogenetic location: 17q23.2.
Variant type: single nucleotide variant.
Coding change: c.553G>A on transcript NM_032043.3 (MANE Select); coding-DNA position 553, G replaced by A.
Protein change: p.Ala185Thr; replaces alanine 185 with threonine.
Molecular consequence: missense variant.
Genome position (GRCh38, 1-based): chr17:61,847,175, C>T on the plus strand (G>A on the coding strand, the complement: BRIP1 is on the minus strand). VCF-style: chr17-61847175-C-T. GRCh37 (hg19) VCF-style: chr17-59924536-C-T.
Other names: short protein forms A185T.
Identifiers: ClinVar variation 407849 (VCV000407849.19), dbSNP rs745645356, ClinGen allele CA8690910.
Genomic context (GRCh38, chr17:61,847,175, plus strand): 5'-AGGAGTTTATCTTTTCCAGTGGAGAGTTGAGTTTTACAGTCTTTCCTGAATCAACTTTTG[C>T]ATCCAAATTGTGTACTTCTGTTCCAAAGCAATGACGTTTTCTAATCTGTAAACACAGAAC-3'
Protein context (NP_114432.2, residues 175-195): CFGTEVHNLD[Ala185Thr]KVDSGKTVKL